The following is an entry in ClinVar:

ClinVar aggregate classification (germline): Conflicting classifications of pathogenicity. Review status: criteria provided, conflicting classifications (1 of 4 stars). 3 submissions from 3 submitters: Uncertain significance (2); Likely benign (1). Last evaluated 2024-03-11.

Conditions:
DK1-congenital disorder of glycosylation. Also called: CDG Im; DK1 DEFICIENCY; DOLICHOL KINASE DEFICIENCY; DOLK-congenital disorder of glycosylation; Carbohydrate deficient glycoprotein syndrome type 1m; DK1-CDG. Identifiers: Orphanet 91131, MedGen C1835849, MONDO:0012556, OMIM 610768.
Cardiovascular phenotype. Identifiers: MedGen CN230736.

Allele frequency attached by ClinVar (database versions not stated): ExAC 0.00001; TOPMed 0.00001; gnomAD 0.00002; gnomAD exomes 0.00002.

Submissions (3):

Ambry Genetics
Classification: Likely benign for Cardiovascular phenotype. Last evaluated: 2024-03-11. Review status: criteria provided, single submitter. Criteria: Ambry Variant Classification Scheme 2023. Collection method: clinical testing. Allele origin: germline.

Labcorp Genetics (formerly Invitae), Labcorp
Classification: Uncertain significance for DK1-congenital disorder of glycosylation. Last evaluated: 2022-08-31. Review status: criteria provided, single submitter. Criteria: Invitae Variant Classification Sherloc (09022015). Collection method: clinical testing. Allele origin: germline.
Comment: This sequence change replaces alanine, which is neutral and non-polar, with threonine, which is neutral and polar, at codon 336 of the DOLK protein (p.Ala336Thr). This variant is present in population databases (rs769241947, gnomAD 0.01%). This variant has not been reported in the literature in individuals affected with DOLK-related conditions. ClinVar contains an entry for this variant (Variation ID: 933503). Algorithms developed to predict the effect of missense changes on protein structure and function output the following: SIFT: "Tolerated"; PolyPhen-2: "Benign"; Align-GVGD: "Class C0". The threonine amino acid residue is found in multiple mammalian species, which suggests that this missense change does not adversely affect protein function. In summary, the available evidence is currently insufficient to determine the role of this variant in disease. Therefore, it has been classified as a Variant of Uncertain Significance.

Fulgent Genetics
Classification: Uncertain significance for DK1-congenital disorder of glycosylation. Last evaluated: 2021-09-01. Review status: criteria provided, single submitter. Criteria: ACMG Guidelines, 2015. Collection method: clinical testing. Allele origin: unknown.

NM_014908.4(DOLK):c.1006G>A (p.Ala336Thr)

Gene: DOLK (dolichol kinase; minus strand). Cytogenetic location: 9q34.11.
Variant type: single nucleotide variant.
Coding change: c.1006G>A on transcript NM_014908.4 (MANE Select); coding-DNA position 1006, G replaced by A.
Protein change: p.Ala336Thr; replaces alanine 336 with threonine.
Molecular consequence: missense variant.
Genome position (GRCh38, 1-based): chr9:128,946,298, C>T on the plus strand (G>A on the coding strand, the complement: DOLK is on the minus strand). VCF-style: chr9-128946298-C-T. GRCh37 (hg19) VCF-style: chr9-131708577-C-T.
Other names: short protein forms A336T.
Identifiers: ClinVar variation 933503 (VCV000933503.9), dbSNP rs769241947, ClinGen allele CA5271648.